The following is an entry in ClinVar:

ClinVar aggregate classification (germline): Conflicting classifications of pathogenicity. Review status: criteria provided, conflicting classifications (1 of 4 stars). 3 submissions from 3 submitters: Uncertain significance (2); Likely benign (1). Last evaluated 2024-09-13.

Conditions:
Aortic aneurysm, familial thoracic 8 (AAT8). Identifiers: MedGen C3809513, MONDO:0014187, OMIM 615436.
Familial thoracic aortic aneurysm and aortic dissection (TAAD). Also called: Thoracic aortic aneurysms and dissections. Identifiers: Orphanet 91387, MedGen C4707243, MONDO:0019625.

Allele frequency attached by ClinVar (database versions not stated): gnomAD exomes 0.00001 and 0.00004; ExAC 0.00007; gnomAD 0.00010 and 0.00011; ESP Exome Variant Server 0.00015; TOPMed 0.00015.
gnomAD v4.1: 31 of 1,610,932 alleles (0.0019%); highest among the groups gnomAD compares: African/African-American, 0.04%; no homozygotes.

Submissions (3):

Ambry Genetics
Classification: Uncertain significance for Familial thoracic aortic aneurysm and aortic dissection. Last evaluated: 2024-09-13. Review status: criteria provided, single submitter. Criteria: Ambry Variant Classification Scheme 2023. Collection method: clinical testing. Allele origin: germline.
Comment: The c.2043A>T variant (also known as p.G681G), located in coding exon 18 of the PRKG1 gene, results from an A to T substitution at nucleotide position 2043. This nucleotide substitution does not change the glycine at codon 681. This nucleotide position is poorly conserved in available vertebrate species. In silico splice site analysis predicts that this alteration will result in the creation or strengthening of a novel splice donor site. Since supporting evidence is limited at this time, the clinical significance of this alteration remains unclear.

Labcorp Genetics (formerly Invitae), Labcorp
Classification: Likely benign for Aortic aneurysm, familial thoracic 8. Last evaluated: 2023-06-27. Review status: criteria provided, single submitter. Criteria: Invitae Variant Classification Sherloc (09022015). Collection method: clinical testing. Allele origin: germline.

GeneDx
Classification: Uncertain significance. Last evaluated: 2022-03-22. Review status: criteria provided, single submitter. Criteria: GeneDx Variant Classification Process June 2021. Collection method: clinical testing. Allele origin: germline. Affected: yes.
Comment: Has not been previously published as pathogenic or benign to our knowledge; In silico analysis supports that this missense variant has a deleterious effect on protein structure/function; This variant is associated with the following publications: (PMID: 26582918)

NM_006258.4(PRKG1):c.2043A>T (p.Gly681=)

Gene: PRKG1 (protein kinase cGMP-dependent 1; plus strand). Cytogenetic location: 10q21.1.
Variant type: single nucleotide variant.
Coding change: c.2043A>T on transcript NM_006258.4 (MANE Select); coding-DNA position 2043, A replaced by T.
Protein change: p.Gly681=; no amino-acid change (glycine 681 retained).
Molecular consequence: synonymous variant.
Genome position (GRCh38, 1-based): chr10:52,293,882, A>T. VCF-style: chr10-52293882-A-T. GRCh37 (hg19) VCF-style: chr10-54053642-A-T.
Other names: c.1998A>T, p.Gly666= (NM_001098512.3); c.834A>T, p.Gly278= (NM_001374781.1).
Identifiers: ClinVar variation 1059696 (VCV001059696.14), dbSNP rs146785168, ClinGen allele CA5504015.